The following is an entry in ClinVar:

ClinVar aggregate classification (germline): Uncertain significance (1 of 4 stars; one submission).

gnomAD v4.1: 2 of 1,614,146 alleles (0.00012%); highest among the groups gnomAD compares: African/African-American, 0.0013%; no homozygotes.

Submission:

Women's Health and Genetics/Laboratory Corporation of America, LabCorp
Classification: Uncertain significance. Last evaluated: 2026-02-09. Review status: criteria provided, single submitter. Criteria: LabCorp Variant Classification Summary - May 2015. Collection method: clinical testing. Allele origin: germline.
Comment: Variant summary: TTN c.2314C>T (p.Pro772Ser) results in a non-conservative amino acid change in the encoded protein sequence. Algorithms developed to predict the effect of missense changes on protein structure and function are either unavailable or do not agree on the potential impact of this missense change. The variant allele was found at a frequency of 1.6e-05 in 251008 control chromosomes. The available data on variant occurrences in the general population are insufficient to allow any conclusion about variant significance. To our knowledge, no occurrence of c.2314C>T in individuals affected with TTN-related conditions and no experimental evidence demonstrating its impact on protein function have been reported. No submitters have cited clinical-significance assessments for this variant to ClinVar. Based on the evidence outlined above, the variant was classified as uncertain significance.

NM_001267550.2(TTN):c.2314C>T (p.Pro772Ser)

Gene: TTN (titin; minus strand). Cytogenetic location: 2q31.2.
Variant type: single nucleotide variant.
Coding change: c.2314C>T on transcript NM_001267550.2 (MANE Select); coding-DNA position 2314, C replaced by T.
Protein change: p.Pro772Ser; replaces proline 772 with serine.
Molecular consequence: missense variant.
Genome position (GRCh38, 1-based): chr2:178,785,904, G>A on the plus strand (C>T on the coding strand, the complement: TTN is on the minus strand). VCF-style: chr2-178785904-G-A. GRCh37 (hg19) VCF-style: chr2-179650631-G-A.
Other names: c.2176C>T, p.Pro726Ser (NM_003319.4, NM_133432.3, NM_133437.4); c.2314C>T, p.Pro772Ser (NM_133378.4, NM_133379.5, NM_001256850.1); short protein forms P726S, P772S.
Identifiers: ClinVar variation 4847959 (VCV004847959.1).